The following is an entry in ClinVar:

ClinVar aggregate classification (germline): Uncertain significance (1 of 4 stars; one submission).

Conditions:
Dystonia 12 (DYT12). Also called: Rapid-Onset Dystonia-Parkinsonism (RDP); DYT-ATP1A3. Identifiers: Orphanet 71517, MedGen C1868681, MONDO:0007496, OMIM 128235.

Allele frequency attached by ClinVar (database versions not stated): gnomAD exomes below 0.00001; ExAC 0.00001; gnomAD 0.00001; 1000 Genomes Project 30x 0.00016; 1000 Genomes Project 0.00020.
gnomAD v4.1: 2 of 1,611,580 alleles (0.00012%); highest among the groups gnomAD compares: African/African-American, 0.0013%; no homozygotes.

Submission:

Labcorp Genetics (formerly Invitae), Labcorp
Classification: Uncertain significance for Dystonia 12. Last evaluated: 2022-08-10. Review status: criteria provided, single submitter. Criteria: Invitae Variant Classification Sherloc (09022015). Collection method: clinical testing. Allele origin: germline.
Comment: In summary, the available evidence is currently insufficient to determine the role of this variant in disease. Therefore, it has been classified as a Variant of Uncertain Significance. Advanced modeling of protein sequence and biophysical properties (such as structural, functional, and spatial information, amino acid conservation, physicochemical variation, residue mobility, and thermodynamic stability) performed at Invitae indicates that this missense variant is not expected to disrupt ATP1A3 protein function. This variant has not been reported in the literature in individuals affected with ATP1A3-related conditions. This variant is present in population databases (rs569257376, gnomAD 0.007%). This sequence change replaces glycine, which is neutral and non-polar, with serine, which is neutral and polar, at codon 558 of the ATP1A3 protein (p.Gly558Ser).

NM_152296.5(ATP1A3):c.1672G>A (p.Gly558Ser)

Gene: ATP1A3 (ATPase Na+/K+ transporting subunit alpha 3; minus strand). Cytogenetic location: 19q13.2.
Variant type: single nucleotide variant.
Coding change: c.1672G>A on transcript NM_152296.5 (MANE Select); coding-DNA position 1672, G replaced by A.
Protein change: p.Gly558Ser; replaces glycine 558 with serine.
Molecular consequence: missense variant.
Genome position (GRCh38, 1-based): chr19:41,978,285, C>T on the plus strand (G>A on the coding strand, the complement: ATP1A3 is on the minus strand). VCF-style: chr19-41978285-C-T. GRCh37 (hg19) VCF-style: chr19-42482437-C-T.
Other names: c.1705G>A, p.Gly569Ser (NM_001256213.2); c.1711G>A, p.Gly571Ser (NM_001256214.2); short protein forms G571S, G569S, G558S.
Identifiers: ClinVar variation 2077910 (VCV002077910.4), dbSNP rs569257376, ClinGen allele CA9467584.